The following is an entry in ClinVar:

NM_000135.4(FANCA):c.4273C>T (p.Arg1425Cys)

Genes: FANCA (FA complementation group A; minus strand), ZNF276 (zinc finger protein 276; plus strand). Cytogenetic location: 16q24.3.
Variant type: single nucleotide variant.
Coding change: c.4273C>T on transcript NM_000135.4 (MANE Select); coding-DNA position 4273, C replaced by T.
Protein change: p.Arg1425Cys; replaces arginine 1425 with cysteine.
Molecular consequence: missense variant. On other transcripts: 3 prime UTR variant (3), non-coding transcript variant (4).
Genome position (GRCh38, 1-based): chr16:89,738,696, G>A on the plus strand (C>T on the coding strand, the complement: FANCA is on the minus strand). VCF-style: chr16-89738696-G-A. GRCh37 (hg19) VCF-style: chr16-89805104-G-A.
Other names: c.*2C>T (NM_001286167.3); c.*450G>A (NM_001113525.2, NM_152287.4); short protein forms R1425C.
Identifiers: ClinVar variation 134284 (VCV000134284.19), dbSNP rs587778321, ClinGen allele CA159353.

ClinVar aggregate classification (germline): Uncertain significance. Review status: criteria provided, multiple submitters, no conflicts (2 of 4 stars). 10 submissions from 10 submitters: Uncertain significance (7). 3 of the submissions do not count toward it. Last evaluated 2025-11-24.

Conditions:
Inborn genetic diseases. Identifiers: MedGen C0950123, MeSH D030342.
Fanconi anemia (FA). Also called: Fanconi's anemia. Identifiers: Orphanet 84, MedGen C0015625, MeSH D005199, MONDO:0019391.
Fanconi anemia complementation group A (FANCA). Also called: Fanconi anemia, group A; FANCA-Related Fanconi Anemia. Identifiers: Orphanet 84, MedGen C3469521, MONDO:0009215, OMIM 227650.

Allele frequency attached by ClinVar (database versions not stated): TOPMed 0.00005; gnomAD 0.00006.
gnomAD v4.1: 62 of 1,613,884 alleles (0.0038%); highest among the groups gnomAD compares: Middle Eastern, 0.033%; 1 homozygote.

Submissions (10):

Labcorp Genetics (formerly Invitae), Labcorp
Classification: Uncertain significance for Fanconi anemia. Last evaluated: 2025-11-24. Review status: criteria provided, single submitter. Criteria: Invitae Variant Classification Sherloc (09022015). Collection method: clinical testing. Allele origin: germline.
Comment: This sequence change replaces arginine, which is basic and polar, with cysteine, which is neutral and slightly polar, at codon 1425 of the FANCA protein (p.Arg1425Cys). This variant is present in population databases (rs587778321, gnomAD 0.006%). This variant has not been reported in the literature in individuals affected with FANCA-related conditions. ClinVar contains an entry for this variant (Variation ID: 134284). Invitae Evidence Modeling of protein sequence and biophysical properties (such as structural, functional, and spatial information, amino acid conservation, physicochemical variation, residue mobility, and thermodynamic stability) indicates that this missense variant is not expected to disrupt FANCA protein function with a negative predictive value of 95%. In summary, the available evidence is currently insufficient to determine the role of this variant in disease. Therefore, it has been classified as a Variant of Uncertain Significance.

Dasa
Classification: Uncertain significance. Last evaluated: 2025-08-21. Review status: criteria provided, single submitter. Criteria: DASA Assertion Criteria. Collection method: clinical testing. Allele origin: germline.
Comment: NM_000135.4(FANCA):c.4273C>T (p.Arg1425Cys) is a missense variant that results in the substitution of arginine with cysteine. This variant is rare in population databases. Computational prediction algorithms are consistent with a benign effect. The currently available literature and clinical evidence are not sufficient to establish a definitive association between this variant and the reported condition. Therefore, this variant is classified as a variant of uncertain significance.

Ambry Genetics
Classification: Uncertain significance for Inborn genetic diseases. Last evaluated: 2024-12-08. Review status: criteria provided, single submitter. Criteria: Ambry Variant Classification Scheme 2023. Collection method: clinical testing. Allele origin: germline.
Comment: The p.R1425C variant (also known as c.4273C>T), located in coding exon 43 of the FANCA gene, results from a C to T substitution at nucleotide position 4273. The arginine at codon 1425 is replaced by cysteine, an amino acid with highly dissimilar properties. This amino acid position is conserved. In addition, this alteration is predicted to be tolerated by in silico analysis. Based on the available evidence, the clinical significance of this variant remains unclear.

Fulgent Genetics
Classification: Uncertain significance for Fanconi anemia complementation group A. Last evaluated: 2024-02-20. Review status: criteria provided, single submitter. Criteria: ACMG Guidelines, 2015. Collection method: clinical testing. Allele origin: germline.

Sema4
Classification: Uncertain significance for Fanconi anemia. Last evaluated: 2022-03-09. Review status: criteria provided, single submitter. Criteria: Sema4 Curation Guidelines. Collection method: curation. Allele origin: germline.
Comment: The FANCA c.4273C>T (p.R1425C) has been reported in at least 1 individual in an ancestrally diverse healthy cohort (PMID 24728327). This variant was observed in 7/127900 chromosomes in the Non-Finnish European population, according to the Genome Aggregation Database (PMID: 32461654). The variant has been reported in ClinVar (Variation ID 134284). In silico tools suggest the impact of the variant on protein function is benign, though these predictions have not been confirmed by functional studies. There is no indication that this variant causes disease, but the evidence is insufficient currently to prove that conclusively. Based on the current evidence available, this variant is interpreted as a variant of uncertain significance.

Dubai Health Genomic Medicine Center, Dubai Health
Classification: Uncertain significance for Fanconi anemia complementation group A. Last evaluated: 2020-11-22. Review status: criteria provided, single submitter. Criteria: ACMG Guidelines, 2015. Collection method: clinical testing. Allele origin: germline. Affected: yes.
Comment: Not reporting for AGC-20-704 (AR and heterozygous variant). The p.Arg1425Cys missense variant in FANCA has not been previously reported in affected individuals but was identified in 7/127900 (0.005% 0 homozygotes) European Non Finnish alleles in the Genome Aggregation Database (gnomAD) and in 3/1983 (0.15%, 0 homozygotes) alleles in the Greater Middle East (GME) variome database. Computational prediction tools and conservation analysis do not suggest an impact to protein function. In addition this amino acid residue (Arg1425) is not conserved across species including mammals suggesting a non-essential role to protein function. In summary more information is needed to fully assess the clinical significance of this variant though based on the information above it is more likely to be benign.

Illumina Laboratory Services, Illumina
Classification: Uncertain significance for Fanconi anemia complementation group A. Last evaluated: 2018-01-12. Review status: criteria provided, single submitter. Criteria: ICSL Variant Classification Criteria 13 December 2019. Collection method: clinical testing. Allele origin: germline.

Natera, Inc.
Classification: Uncertain significance for Fanconi anemia, group A. Last evaluated: 2020-09-16. Review status: no assertion criteria provided. Collection method: clinical testing. Allele origin: germline. Not counted in ClinVar's aggregate classification.

Counsyl
Classification: Uncertain significance for Fanconi anemia complementation group A. Last evaluated: 2017-02-24. Review status: no assertion criteria provided. Collection method: clinical testing. Allele origin: unknown. Not counted in ClinVar's aggregate classification.

ITMI
No classification provided. Condition: AllHighlyPenetrant. Last evaluated: 2013-09-19. Review status: no classification provided. Collection method: reference population. Allele origin: germline. Not counted in ClinVar's aggregate classification.
Comment: Please see associated publication for description of ethnicities

Literature cited by the submitters: PubMed 24728327 (cited by Sema4 and ITMI).